The following is an entry in ClinVar:

ClinVar aggregate classification (germline): Likely pathogenic (1 of 4 stars; one submission).

Conditions:
Intellectual developmental disorder, autosomal recessive 75, with neuropsychiatric features and variant lissencephaly (MRT75). Identifiers: MedGen C5676961, MONDO:0030785, OMIM 619827.

Submission:

3billion
Classification: Likely pathogenic for Intellectual developmental disorder, autosomal recessive 75, with neuropsychiatric features and variant lissencephaly. Last evaluated: 2025-06-10. Review status: criteria provided, single submitter. Criteria: ACMG Guidelines, 2015. Collection method: clinical testing. Allele origin: germline. Affected: yes.
Comment: The variant is observed at an extremely low frequency in the gnomAD v4.1.0 dataset (total allele frequency: <0.001%). Predicted Consequence/Location: Frameshift: predicted to result in a loss or disruption of normal protein function through nonsense-mediated decay (NMD) or protein truncation. Multiple pathogenic variants are reported downstream of the variant. Therefore, this variant is classified as Likely pathogenic according to the recommendation of ACMG/AMP guideline.

NM_145886.4(PIDD1):c.839_840del (p.Pro280fs)

Gene: PIDD1 (p53-induced death domain protein 1; minus strand). Cytogenetic location: 11p15.5.
Variant type: Deletion.
Coding change: c.839_840del on transcript NM_145886.4 (MANE Select); coding-DNA positions 839 to 840, 2 bases deleted (CT; older notation c.839_840delCT).
Protein change: p.Pro280fs; shifts the reading frame from proline 280.
Molecular consequence: frameshift variant.
Genome position (GRCh38, 1-based): chr11:802,761-802,762, AG deleted on the plus strand (CT on the coding strand, the reverse complement: PIDD1 is on the minus strand). VCF-style (leftmost placement, unchanged base first): chr11-802760-CAG-C. GRCh37 (hg19) VCF-style: chr11-802760-CAG-C.
Other names: c.839_840del, p.Pro280fs (NM_145887.4); short protein forms P280fs.
Identifiers: ClinVar variation 4854432 (VCV004854432.1).
Genomic context (GRCh38, chr11:802,760, plus strand): 5'-CTGGCGAGGCCTCACCCAGGGGGTTCCCCTGCAGGCGCACAAAGGGGGCGTCTAGCAGCT[CAG>C]GGGGCAGGTCCCGGAGCTGGTTGTCCCTCAGGTCGAGCCGGGTGAGGAGTGGAAGGCGGG-3'